The following is an entry in ClinVar:

NM_001365951.3(KIF1B):c.2743A>G (p.Thr915Ala)

Genes: KIF1B (kinesin family member 1B; plus strand), LOC126805614 (BRD4-independent group 4 enhancer GRCh37_chr1:10385546-10386745; plus strand). Cytogenetic location: 1p36.22.
Variant type: single nucleotide variant.
Coding change: c.2743A>G on transcript NM_001365951.3 (MANE Select); coding-DNA position 2743, A replaced by G.
Protein change: p.Thr915Ala; replaces threonine 915 with alanine.
Molecular consequence: missense variant.
Genome position (GRCh38, 1-based): chr1:10,326,178, A>G. VCF-style: chr1-10326178-A-G. GRCh37 (hg19) VCF-style: chr1-10386236-A-G.
Other names: c.2743A>G, p.Thr915Ala (NM_001365952.1); c.2605A>G, p.Thr869Ala (NM_015074.3); short protein forms T915A, T869A.
Identifiers: ClinVar variation 3864087 (VCV003864087.1).

ClinVar aggregate classification (germline): Uncertain significance (1 of 4 stars; one submission).

Submission:

Ambry Genetics
Classification: Uncertain significance. Last evaluated: 2025-02-04. Review status: criteria provided, single submitter. Criteria: Ambry Variant Classification Scheme 2023. Collection method: clinical testing. Allele origin: germline.
Comment: The p.T869A variant (also known as c.2605A>G), located in coding exon 24 of the KIF1B gene, results from an A to G substitution at nucleotide position 2605. The threonine at codon 869 is replaced by alanine, an amino acid with similar properties. This amino acid position is conserved. In addition, the in silico prediction for this alteration is inconclusive. Based on the available evidence, the clinical significance of this variant remains unclear.